The following is an entry in ClinVar:

NM_000642.3(AGL):c.129A>G (p.Ala43=)

Gene: AGL (amylo-alpha-1,6-glucosidase and 4-alpha-glucanotransferase; plus strand). Cytogenetic location: 1p21.2.
Variant type: single nucleotide variant.
Coding change: c.129A>G on transcript NM_000642.3 (MANE Select); coding-DNA position 129, A replaced by G.
Protein change: p.Ala43=; no amino-acid change (alanine 43 retained).
Molecular consequence: synonymous variant.
Genome position (GRCh38, 1-based): chr1:99,861,549, A>G. VCF-style: chr1-99861549-A-G. GRCh37 (hg19) VCF-style: chr1-100327105-A-G.
Other names: c.129A>G (NM_000642.2); c.129A>G, p.Ala43= (NM_000028.3, NM_000643.3, NM_000644.3 and 5 more transcripts); c.81A>G, p.Ala27= (NM_000646.3).
Identifiers: ClinVar variation 1091075 (VCV001091075.11), dbSNP rs760568854, ClinGen allele CA966068.

ClinVar aggregate classification (germline): Likely benign. Review status: criteria provided, single submitter (1 of 4 stars). 2 submissions from 2 submitters: Likely benign (1). 1 of the submissions does not count toward it. Last evaluated 2025-06-15.

Conditions:
AGL-related disorder. Also called: AGL-related condition.
Glycogen storage disease type III (GSD3). Also called: FORBES DISEASE; Cori disease. Identifiers: Orphanet 366, MedGen C0017922, MONDO:0009291, OMIM 232400.

Allele frequency attached by ClinVar (database versions not stated): ExAC 0.00001; gnomAD 0.00001; gnomAD exomes 0.00001.

Submissions (2):

Labcorp Genetics (formerly Invitae), Labcorp
Classification: Likely benign for Glycogen storage disease type III. Last evaluated: 2025-06-15. Review status: criteria provided, single submitter. Criteria: Invitae Variant Classification Sherloc (09022015). Collection method: clinical testing. Allele origin: germline.

PreventionGenetics, part of Exact Sciences
Classification: Likely benign for AGL-related condition. Last evaluated: 2023-06-09. Review status: no assertion criteria provided. Collection method: clinical testing. Allele origin: germline. Not counted in ClinVar's aggregate classification.
Comment: This variant is classified as likely benign based on ACMG/AMP sequence variant interpretation guidelines (Richards et al. 2015 PMID: 25741868, with internal and published modifications).